The following is an entry in ClinVar:

NM_005751.5(AKAP9):c.6330+3A>G

Gene: AKAP9 (A-kinase anchoring protein 9; plus strand). Cytogenetic location: 7q21.2.
Variant type: single nucleotide variant.
Coding change: c.6330+3A>G on transcript NM_005751.5 (MANE Select); 3 bases into the intron after coding-DNA position 6330, A replaced by G.
Molecular consequence: intron variant.
Genome position (GRCh38, 1-based): chr7:92,066,549, A>G. VCF-style: chr7-92066549-A-G. GRCh37 (hg19) VCF-style: chr7-91695863-A-G.
Other names: c.6330+3A>G (NM_147185.3); c.975+3A>G (NM_001379277.1).
Identifiers: ClinVar variation 810857 (VCV000810857.19), dbSNP rs771419309, ClinGen allele CA4337037.

ClinVar aggregate classification (germline): Conflicting classifications of pathogenicity. Review status: criteria provided, conflicting classifications (1 of 4 stars). 5 submissions from 5 submitters: Uncertain significance (2); Benign (1); Likely benign (2). Last evaluated 2026-01-10.

Conditions:
Long QT syndrome 11 (LQT11). Identifiers: Orphanet 101016, Orphanet 768, MedGen C2678483, MONDO:0012738, OMIM 611820.
Cardiovascular phenotype. Identifiers: MedGen CN230736.
Long QT syndrome (LQTS). Identifiers: MedGen C0023976, MeSH D008133, MONDO:0002442. Disease mechanism: loss of function. Inheritance: Various modes of inheritance.

Allele frequency attached by ClinVar (database versions not stated): gnomAD 0.00005; TOPMed 0.00005; gnomAD exomes 0.00007 and 0.00010; ExAC 0.00009.
gnomAD v4.1: 106 of 1,613,240 alleles (0.0066%); highest among the groups gnomAD compares: East Asian, 0.018%; 1 homozygote.

Submissions (5):

Labcorp Genetics (formerly Invitae), Labcorp
Classification: Uncertain significance for Long QT syndrome. Last evaluated: 2026-01-10. Review status: criteria provided, single submitter. Criteria: Invitae Variant Classification Sherloc (09022015). Collection method: clinical testing. Allele origin: germline.
Comment: This sequence change falls in intron 26 of the AKAP9 gene. It does not directly change the encoded amino acid sequence of the AKAP9 protein. It affects a nucleotide within the consensus splice site. This variant is present in population databases (rs771419309, gnomAD 0.03%). This variant has not been reported in the literature in individuals affected with AKAP9-related conditions. ClinVar contains an entry for this variant (Variation ID: 810857). Variants that disrupt the consensus splice site are a relatively common cause of aberrant splicing (PMID: 17576681, 9536098). Algorithms developed to predict the effect of sequence changes on RNA splicing suggest that this variant is not likely to affect RNA splicing. In summary, the available evidence is currently insufficient to determine the role of this variant in disease. Therefore, it has been classified as a Variant of Uncertain Significance.

Blueprint Genetics
Classification: Likely benign. Last evaluated: 2024-08-20. Review status: criteria provided, single submitter. Criteria: ACMG Guidelines, 2015. Collection method: clinical testing. Allele origin: germline.

Ambry Genetics
Classification: Uncertain significance for Cardiovascular phenotype. Last evaluated: 2021-05-08. Review status: criteria provided, single submitter. Criteria: Ambry Variant Classification Scheme 2023. Collection method: clinical testing. Allele origin: germline.
Comment: The c.6330+3A>G intronic variant results from an A to G substitution 3 nucleotides after coding exon 26 in the AKAP9 gene. This nucleotide position is well conserved in available vertebrate species. In silico splice site analysis predicts that this alteration will not have any significant effect on splicing. Since supporting evidence is limited at this time, the clinical significance of this alteration remains unclear.

ARUP Laboratories, Molecular Genetics and Genomics, ARUP Laboratories
Classification: Likely benign for Long QT syndrome 11. Last evaluated: 2018-07-05. Review status: criteria provided, single submitter. Criteria: ARUP Molecular Germline Variant Investigation Process. Collection method: clinical testing. Allele origin: germline.

GeneDx
Classification: Benign. Last evaluated: 2015-03-03. Review status: criteria provided, single submitter. Criteria: GeneDx Variant Classification Process June 2021. Collection method: clinical testing. Allele origin: germline. Affected: yes.

Literature cited by the submitters: PubMed 17576681 (cited by Labcorp Genetics (formerly Invitae), Labcorp); PubMed 9536098 (cited by Labcorp Genetics (formerly Invitae), Labcorp).